The following is an entry in ClinVar:

NM_000169.3(GLA):c.1016T>G (p.Val339Gly)

Genes: GLA (galactosidase alpha; minus strand), RPL36A-HNRNPH2 (RPL36A-HNRNPH2 readthrough; plus strand). Cytogenetic location: Xq22.1.
Variant type: single nucleotide variant.
Coding change: c.1016T>G on transcript NM_000169.3 (MANE Select); coding-DNA position 1016, T replaced by G.
Protein change: p.Val339Gly; replaces valine 339 with glycine.
Molecular consequence: missense variant. On other transcripts: non-coding transcript variant (3), intron variant (2).
Genome position (GRCh38, 1-based): chrX:101,398,083, A>C on the plus strand (T>G on the coding strand, the complement: GLA is on the minus strand). VCF-style: chrX-101398083-A-C. GRCh37 (hg19) VCF-style: chrX-100653071-A-C.
Other names: c.1139T>G, p.Val380Gly (NM_001406747.1); c.300+2626A>C (NM_001199973.2); c.177+6261A>C (NM_001199974.2); short protein forms V339G, V380G.
Identifiers: ClinVar variation 4087617 (VCV004087617.2).

ClinVar aggregate classification (germline): Likely pathogenic (1 of 4 stars; one submission).

Conditions:
Fabry disease. Also called: ALPHA-GALACTOSIDASE A DEFICIENCY; ANDERSON-FABRY DISEASE; CERAMIDE TRIHEXOSIDASE DEFICIENCY; GLA DEFICIENCY; HEREDITARY DYSTOPIC LIPIDOSIS; Angiokeratoma corporis diffusum. Identifiers: Orphanet 324, MedGen C0002986, MONDO:0010526, OMIM 301500, HP:0001071. Disease mechanism: Fabry disease is due to inactivating mutations in the X-linked GLA gene resulting in deficiency of the enzyme Alpha Galactosidase-A., loss of function.

Submission:

Genomenon, Inc
Classification: Likely pathogenic for Fabry disease. Last evaluated: 2026-09-08. Review status: criteria provided, single submitter. Criteria: Genomenon Sequence Variant Interpretation Standards - Updated. Collection method: curation. Allele origin: germline. Affected: yes.
Comment: GLA p.Val339Gly (c.1016T>G) is a missense variant that changes the amino acid at codon 339 from Valine to Glycine. This variant has been observed in at least one proband with clinical features consistent with Fabry disease (PMID:32442237). At least one functional study has demonstrated a substantial alteration in protein function relative to the wild-type (PMID:27657681). It is absent or not present at a significant frequency in gnomAD. In silico models predict that this variant is possibly or probably damaging. In conclusion, we classify GLA p.Val339Gly (c.1016T>G) as a likely pathogenic variant.

Literature cited by the submitters: PubMed 32442237; PubMed 27657681.